The following is an entry in ClinVar:

NM_000122.2(ERCC3):c.659T>G (p.Ile220Ser)

Gene: ERCC3 (ERCC excision repair 3, TFIIH core complex helicase subunit; minus strand). Cytogenetic location: 2q14.3.
Variant type: single nucleotide variant.
Coding change: c.659T>G on transcript NM_000122.2 (MANE Select); coding-DNA position 659, T replaced by G.
Protein change: p.Ile220Ser; replaces isoleucine 220 with serine.
Molecular consequence: missense variant.
Genome position (GRCh38, 1-based): chr2:127,289,500, A>C on the plus strand (T>G on the coding strand, the complement: ERCC3 is on the minus strand). VCF-style: chr2-127289500-A-C. GRCh37 (hg19) VCF-style: chr2-128047076-A-C.
Other names: c.467T>G, p.Ile156Ser (NM_001303416.2, NM_001303418.2); short protein forms I156S, I220S.
Identifiers: ClinVar variation 1801982 (VCV001801982.5), dbSNP rs377665046, ClinGen allele CA1858463.

ClinVar aggregate classification (germline): Uncertain significance. Review status: criteria provided, multiple submitters, no conflicts (2 of 4 stars). 2 submissions from 2 submitters: Uncertain significance (2). Last evaluated 2025-07-01.

Allele frequency attached by ClinVar (database versions not stated): gnomAD exomes 0.00001; ExAC 0.00002; TOPMed 0.00002; gnomAD 0.00004; ESP Exome Variant Server 0.00008.
gnomAD v4.1: 21 of 1,612,314 alleles (0.0013%); highest among the groups gnomAD compares: Non-Finnish European, 0.0017%; no homozygotes.

Submissions (2):

Labcorp Genetics (formerly Invitae), Labcorp
Classification: Uncertain significance. Last evaluated: 2025-07-01. Review status: criteria provided, single submitter. Criteria: Invitae Variant Classification Sherloc (09022015). Collection method: clinical testing. Allele origin: germline.
Comment: This sequence change replaces isoleucine, which is neutral and non-polar, with serine, which is neutral and polar, at codon 220 of the ERCC3 protein (p.Ile220Ser). This variant is present in population databases (rs377665046, gnomAD 0.004%). This variant has not been reported in the literature in individuals affected with ERCC3-related conditions. ClinVar contains an entry for this variant (Variation ID: 1801982). An algorithm developed to predict the effect of missense changes on protein structure and function (PolyPhen-2) suggests that this variant is likely to be tolerated. In summary, the available evidence is currently insufficient to determine the role of this variant in disease. Therefore, it has been classified as a Variant of Uncertain Significance.

GeneDx
Classification: Uncertain significance. Last evaluated: 2022-05-25. Review status: criteria provided, single submitter. Criteria: GeneDx Variant Classification Process June 2021. Collection method: clinical testing. Allele origin: germline. Affected: yes.
Comment: Has not been previously published as pathogenic or benign to our knowledge; In silico analysis supports that this missense variant does not alter protein structure/function